The following is an entry in ClinVar:

NM_001379291.1(BRD4):c.1110C>T (p.Ala370=)

Gene: BRD4 (bromodomain containing 4; minus strand). Cytogenetic location: 19p13.12.
Variant type: single nucleotide variant.
Coding change: c.1110C>T on transcript NM_001379291.1 (MANE Select); coding-DNA position 1110, C replaced by T.
Protein change: p.Ala370=; no amino-acid change (alanine 370 retained).
Molecular consequence: synonymous variant.
Genome position (GRCh38, 1-based): chr19:15,264,506, G>A on the plus strand (C>T on the coding strand, the complement: BRD4 is on the minus strand). VCF-style: chr19-15264506-G-A. GRCh37 (hg19) VCF-style: chr19-15375317-G-A.
Other names: c.1110C>T, p.Ala370= (NM_001330384.2, NM_001379292.1, NM_014299.3 and 1 more transcripts).
Identifiers: ClinVar variation 2043546 (VCV002043546.5), dbSNP rs150237748, ClinGen allele CA9265450.

ClinVar aggregate classification (germline): Benign/Likely benign. Review status: criteria provided, multiple submitters, no conflicts (2 of 4 stars). 2 submissions from 2 submitters: Benign (1); Likely benign (1). Last evaluated 2026-08-01.

Allele frequency attached by ClinVar (database versions not stated): ESP Exome Variant Server 0.00023; 1000 Genomes Project 0.00040; ExAC 0.00046; 1000 Genomes Project 30x 0.00047; gnomAD exomes 0.00047; gnomAD 0.00061; TOPMed 0.00095.
gnomAD v4.1: 807 of 1,613,818 alleles (0.05%); highest among the groups gnomAD compares: Admixed American, 0.33%; 3 homozygotes.

Submissions (2):

CeGaT Center for Human Genetics Tuebingen
Classification: Likely benign. Last evaluated: 2026-08-01. Review status: criteria provided, single submitter. Criteria: CeGaT Center For Human Genetics Tuebingen Variant Classification Criteria Version 2. Collection method: clinical testing. Allele origin: germline. Affected: yes. Observed: 1 variant allele.
Comment: BRD4: BP4, BP7

Labcorp Genetics (formerly Invitae), Labcorp
Classification: Benign. Last evaluated: 2025-12-15. Review status: criteria provided, single submitter. Criteria: Invitae Variant Classification Sherloc (09022015). Collection method: clinical testing. Allele origin: germline.